The following is an entry in ClinVar:

NM_000169.3(GLA):c.28C>T (p.Leu10=)

Genes: GLA (galactosidase alpha; minus strand), RPL36A-HNRNPH2 (RPL36A-HNRNPH2 readthrough; plus strand). Cytogenetic location: Xq22.1.
Variant type: single nucleotide variant.
Coding change: c.28C>T on transcript NM_000169.3 (MANE Select); coding-DNA position 28, C replaced by T.
Protein change: p.Leu10=; no amino-acid change (leucine 10 retained).
Molecular consequence: synonymous variant. On other transcripts: non-coding transcript variant (3), intron variant (2).
Genome position (GRCh38, 1-based): chrX:101,407,876, G>A on the plus strand (C>T on the coding strand, the complement: GLA is on the minus strand). VCF-style: chrX-101407876-G-A. GRCh37 (hg19) VCF-style: chrX-100662864-G-A.
Other names: c.28C>T, p.Leu10= (NM_001406747.1, NM_001406748.1, NM_001406749.1); c.301-4060G>A (NM_001199973.2); c.178-4060G>A (NM_001199974.2).
Identifiers: ClinVar variation 163549 (VCV000163549.10), dbSNP rs727503073, ClinGen allele CA021625.
Genomic context (GRCh38, chrX:101,407,876, plus strand): 5'-TAGCCCCAGGGATGTCCCAGGAAACGAGGGCCAGGAAGCGAAGCGCAAGCGCGCAGCCCA[G>A]ATGTAGTTCTGGGTTCCTCAGCTGCATTGTCACGGTGACCGGACAGCATAAATTTCCGCG-3'
Protein context (NP_000160.1, residues 1-20): MQLRNPELH[Leu10=]GCALALRFLA

ClinVar aggregate classification (germline): Likely benign. Review status: criteria provided, multiple submitters, no conflicts (2 of 4 stars). 3 submissions from 3 submitters: Likely benign (3). Last evaluated 2024-05-19.

Conditions:
Cardiomyopathy (CMYO). Also called: Cardiomyopathies. Identifiers: Orphanet 167848, MedGen C0878544, MONDO:0004994, HP:0001638. Inheritance: Various modes of inheritance.
Fabry disease. Also called: Fabry's disease; HEREDITARY DYSTOPIC LIPIDOSIS; Angiokeratoma corporis diffusum; ALPHA-GALACTOSIDASE A DEFICIENCY; ANDERSON-FABRY DISEASE; CERAMIDE TRIHEXOSIDASE DEFICIENCY. Identifiers: Orphanet 324, MedGen C0002986, MONDO:0010526, OMIM 301500, HP:0001071. Disease mechanism: Fabry disease is due to inactivating mutations in the X-linked GLA gene resulting in deficiency of the enzyme Alpha Galactosidase-A., loss of function.

Allele frequency attached by ClinVar (database versions not stated): gnomAD exomes below 0.00001.
gnomAD v4.1: 2 of 1,211,612 alleles (0.00017%); highest among the groups gnomAD compares: Non-Finnish European, 0.00022%; no homozygotes.

Submissions (3):

Labcorp Genetics (formerly Invitae), Labcorp
Classification: Likely benign for Fabry disease. Last evaluated: 2024-05-19. Review status: criteria provided, single submitter. Criteria: Invitae Variant Classification Sherloc (09022015). Collection method: clinical testing. Allele origin: germline.

CHEO Genetics Diagnostic Laboratory, Children's Hospital of Eastern Ontario
Classification: Likely benign for Cardiomyopathy. Last evaluated: 2023-03-21. Review status: criteria provided, single submitter. Criteria: ACMG Guidelines, 2015. Collection method: clinical testing. Allele origin: germline.

Laboratory for Molecular Medicine, Mass General Brigham Personalized Medicine
Classification: Likely benign. Last evaluated: 2014-05-28. Review status: criteria provided, single submitter. Criteria: LMM Criteria. Collection method: clinical testing. Allele origin: germline. Observed: 1 variant allele.
Comment: Leu10Leu in exon 1 of GLA: This variant is not expected to have clinical signifi cance because it does not alter an amino acid residue and is not located within the splice consensus sequence.